The following is an entry in ClinVar:

NM_014363.6(SACS):c.9275A>T (p.Tyr3092Phe)

Gene: SACS (sacsin molecular chaperone; minus strand). Cytogenetic location: 13q12.12.
Variant type: single nucleotide variant.
Coding change: c.9275A>T on transcript NM_014363.6 (MANE Select); coding-DNA position 9275, A replaced by T.
Protein change: p.Tyr3092Phe; replaces tyrosine 3092 with phenylalanine.
Molecular consequence: missense variant.
Genome position (GRCh38, 1-based): chr13:23,334,601, T>A on the plus strand (A>T on the coding strand, the complement: SACS is on the minus strand). VCF-style: chr13-23334601-T-A. GRCh37 (hg19) VCF-style: chr13-23908740-T-A.
Other names: c.9275A>T (NM_014363.4); c.8834A>T, p.Tyr2945Phe (NM_001278055.2); short protein forms Y3092F, Y2945F.
Identifiers: ClinVar variation 942151 (VCV000942151.25), dbSNP rs139579036, ClinGen allele CA6910642.
Genomic context (GRCh38, chr13:23,334,601, plus strand): 5'-CAATTAGTGTCAGGAGAGGAAAATGTCATTAAAAAAGATCTGATATCAGCAGGGGTCACA[T>A]AACTAACAGGAATATCTGCATCTATAAGACAGTGGTAAAGATTAGCAGTTTCATCACAGT-3'
Protein context (NP_055178.3, residues 3082-3102): CLIDADIPVS[Tyr3092Phe]VTPADIRSFL

ClinVar aggregate classification (germline): Conflicting classifications of pathogenicity. Review status: criteria provided, conflicting classifications (1 of 4 stars). 7 submissions from 7 submitters: Uncertain significance (5); Likely benign (1). 1 of the submissions does not count toward it. Last evaluated 2026-01-25.

Conditions:
Spastic paraplegia. Identifiers: MedGen C0037772, HP:0001258.
Charlevoix-Saguenay spastic ataxia (SACS). Also called: SPASTIC ATAXIA 6, AUTOSOMAL RECESSIVE; AUTOSOMAL RECESSIVE SPASTIC ATAXIA OF CHARLEVOIX-SAGUENAY; Spastic ataxia of Charlevoix-Saguenay. Identifiers: Orphanet 98, MedGen C1849140, MONDO:0010041, OMIM 270550.
Inborn genetic diseases. Identifiers: MedGen C0950123, MeSH D030342.

Allele frequency attached by ClinVar (database versions not stated): gnomAD exomes 0.00002 and 0.00005; ExAC 0.00007; ESP Exome Variant Server 0.00015; gnomAD 0.00020 and 0.00021; TOPMed 0.00020; 1000 Genomes Project 30x 0.00047; 1000 Genomes Project 0.00060.
gnomAD v4.1: 66 of 1,613,514 alleles (0.0041%); highest among the groups gnomAD compares: African/African-American, 0.057%; no homozygotes.

Submissions (7):

Labcorp Genetics (formerly Invitae), Labcorp
Classification: Likely benign for Spastic paraplegia. Last evaluated: 2026-01-25. Review status: criteria provided, single submitter. Criteria: Invitae Variant Classification Sherloc (09022015). Collection method: clinical testing. Allele origin: germline.

Mayo Clinic Laboratories, Mayo Clinic
Classification: Uncertain significance. Last evaluated: 2025-07-29. Review status: criteria provided, single submitter. Criteria: ACMG Guidelines, 2015. Collection method: clinical testing. Allele origin: germline. Observed: 2 variant alleles.

Women's Health and Genetics/Laboratory Corporation of America, LabCorp
Classification: Uncertain significance. Last evaluated: 2025-04-14. Review status: criteria provided, single submitter. Criteria: LabCorp Variant Classification Summary - May 2015. Collection method: clinical testing. Allele origin: germline.
Comment: Variant summary: SACS c.9275A>T (p.Tyr3092Phe) results in a conservative amino acid change in the encoded protein sequence. Two of four in-silico tools predict a benign effect of the variant on protein function. The variant allele was found at a frequency of 5.2e-05 in 250750 control chromosomes (gnomAD). This frequency is not significantly higher than estimated for a pathogenic variant in SACS causing Charlevoix-Saguenay spastic ataxia, allowing no conclusion about variant significance. To our knowledge, no occurrence of c.9275A>T in individuals affected with Charlevoix-Saguenay spastic ataxia and no experimental evidence demonstrating its impact on protein function have been reported. ClinVar contains an entry for this variant (Variation ID: 942151). Based on the evidence outlined above, the variant was classified as uncertain significance.

GeneDx
Classification: Uncertain significance. Last evaluated: 2024-04-08. Review status: criteria provided, single submitter. Criteria: GeneDx Variant Classification Process June 2021. Collection method: clinical testing. Allele origin: germline. Affected: yes.
Comment: In silico analysis indicates that this missense variant does not alter protein structure/function; Has not been previously published as pathogenic or benign in association with neurodevelopmental disorder to our knowledge; This variant is associated with the following publications: (PMID: 23280630)

Ambry Genetics
Classification: Uncertain significance for Inborn genetic diseases. Last evaluated: 2023-09-01. Review status: criteria provided, single submitter. Criteria: Ambry Variant Classification Scheme 2023. Collection method: clinical testing. Allele origin: germline.

Genome-Nilou Lab
Classification: Uncertain significance for Charlevoix-Saguenay spastic ataxia. Last evaluated: 2021-09-05. Review status: criteria provided, single submitter. Criteria: ACMG Guidelines, 2015. Collection method: clinical testing. Allele origin: germline. Affected: no.

Natera, Inc.
Classification: Uncertain significance for Charlevoix-Saguenay type spastic ataxia. Last evaluated: 2020-02-14. Review status: no assertion criteria provided. Collection method: clinical testing. Allele origin: germline. Not counted in ClinVar's aggregate classification.

Literature cited by the submitters: PubMed 23280630 (cited by Women's Health and Genetics/Laboratory Corporation of America, LabCorp).